The following is an entry in ClinVar:

ClinVar aggregate classification (germline): Likely pathogenic (1 of 4 stars; one submission).

Conditions:
Familial hypokalemia-hypomagnesemia (GTLMNS). Also called: POTASSIUM AND MAGNESIUM DEPLETION; HYPOMAGNESEMIA-HYPOKALEMIA, PRIMARY RENOTUBULAR, WITH HYPOCALCIURIA; gitelman syndrome. Identifiers: Orphanet 358, MedGen C0268450, MONDO:0009904, OMIM 263800.

Submission:

Natera, Inc.
Classification: Likely pathogenic for Gitelman syndrome. Last evaluated: 2024-05-01. Review status: criteria provided, single submitter. Criteria: Natera Variant Classification Schema (03/2026). Collection method: clinical testing. Allele origin: germline.
Comment: The c.2286-1G>A variant in SLC12A3 is a canonical splice acceptor site variant predicted to affect pre-mRNA splicing, which may result in an abnormal transcript and altered protein product. This variant is expected to result in nonsense mediated decay, truncation, or a dysfunctional protein product. This variant is rare in the general population with a frequency below the threshold expected for the associated phenotype(s). Given the available evidence, this variant is classified as Likely Pathogenic.

NM_001126108.2(SLC12A3):c.2286-1G>A

Gene: SLC12A3 (solute carrier family 12 member 3; plus strand). Cytogenetic location: 16q13.
Variant type: single nucleotide variant.
Coding change: c.2286-1G>A on transcript NM_001126108.2 (MANE Select); the canonical splice acceptor site of the intron before coding-DNA position 2286, G replaced by A.
Molecular consequence: splice acceptor variant.
Genome position (GRCh38, 1-based): chr16:56,890,273, G>A. VCF-style: chr16-56890273-G-A. GRCh37 (hg19) VCF-style: chr16-56924185-G-A.
Other names: c.2286-1G>A (NM_000339.3); c.2283-1G>A (NM_001126107.2, NM_001410896.1).
Identifiers: ClinVar variation 4818203 (VCV004818203.1).